The following is an entry in ClinVar:

NM_015512.5(DNAH1):c.9811A>G (p.Ile3271Val)

Gene: DNAH1 (dynein axonemal heavy chain 1; plus strand). Cytogenetic location: 3p21.1.
Variant type: single nucleotide variant.
Coding change: c.9811A>G on transcript NM_015512.5 (MANE Select); coding-DNA position 9811, A replaced by G.
Protein change: p.Ile3271Val; replaces isoleucine 3271 with valine.
Molecular consequence: missense variant.
Genome position (GRCh38, 1-based): chr3:52,391,248, A>G. VCF-style: chr3-52391248-A-G. GRCh37 (hg19) VCF-style: chr3-52425264-A-G.
Other names: short protein forms I3271V.
Identifiers: ClinVar variation 576886 (VCV000576886.6), dbSNP rs201807250, ClinGen allele CA2435624.
Genomic context (GRCh38, chr3:52,391,248, plus strand): 5'-AATGGGCTGGATGTGTTCAAGTTGAGTGACCGCGACTTCCTGCGCAGCATGGAGAACGCC[A>G]TCCGCTTTGGCAAGCCATGTCTCCTGGAGAACGTGGGCGAGGAGCTAGACCCAGCCCTGG-3'
Protein context (NP_056327.4, residues 3261-3281): RDFLRSMENA[Ile3271Val]RFGKPCLLEN

ClinVar aggregate classification (germline): Uncertain significance. Review status: criteria provided, multiple submitters, no conflicts (2 of 4 stars). 2 submissions from 2 submitters: Uncertain significance (2). Last evaluated 2024-08-20.

Conditions:
Spermatogenic failure 18. Identifiers: MedGen C4539783, MONDO:0054615, OMIM 617576.
Ciliary dyskinesia, primary, 37 (CILD37). Also called: CILIARY DYSKINESIA, PRIMARY, 37, WITH OR WITHOUT SITUS INVERSUS. Identifiers: MedGen C4539798, MONDO:0033204, OMIM 617577.

Allele frequency attached by ClinVar (database versions not stated): ESP Exome Variant Server 0.00047; gnomAD 0.00047 and 0.00048; gnomAD exomes 0.00048; ExAC 0.00050; TOPMed 0.00052; 1000 Genomes Project 0.00060; 1000 Genomes Project 30x 0.00078.
gnomAD v4.1: 1,187 of 1,613,742 alleles (0.074%); highest among the groups gnomAD compares: Admixed American, 0.1%; 2 homozygotes.

Submissions (2):

Blueprint Genetics
Classification: Uncertain significance. Last evaluated: 2024-08-20. Review status: criteria provided, single submitter. Criteria: ACMG Guidelines, 2015. Collection method: clinical testing. Allele origin: germline.

Labcorp Genetics (formerly Invitae), Labcorp
Classification: Uncertain significance for Ciliary dyskinesia, primary, 37; Spermatogenic failure 18. Last evaluated: 2022-10-20. Review status: criteria provided, single submitter. Criteria: Invitae Variant Classification Sherloc (09022015). Collection method: clinical testing. Allele origin: germline.
Comment: This sequence change replaces isoleucine, which is neutral and non-polar, with valine, which is neutral and non-polar, at codon 3271 of the DNAH1 protein (p.Ile3271Val). This variant is present in population databases (rs201807250, gnomAD 0.1%), and has an allele count higher than expected for a pathogenic variant. This variant has not been reported in the literature in individuals affected with DNAH1-related conditions. ClinVar contains an entry for this variant (Variation ID: 576886). Advanced modeling of protein sequence and biophysical properties (such as structural, functional, and spatial information, amino acid conservation, physicochemical variation, residue mobility, and thermodynamic stability) performed at Invitae indicates that this missense variant is not expected to disrupt DNAH1 protein function. In summary, the available evidence is currently insufficient to determine the role of this variant in disease. Therefore, it has been classified as a Variant of Uncertain Significance.